The following is an entry in ClinVar:

NM_001378030.1(CCDC78):c.828G>A (p.Ala276=)

Gene: CCDC78 (coiled-coil domain containing 78; minus strand). Cytogenetic location: 16p13.3.
Variant type: single nucleotide variant.
Coding change: c.828G>A on transcript NM_001378030.1 (MANE Select); coding-DNA position 828, G replaced by A.
Protein change: p.Ala276=; no amino-acid change (alanine 276 retained).
Molecular consequence: synonymous variant. On other transcripts: non-coding transcript variant (5).
Genome position (GRCh38, 1-based): chr16:724,447, C>T on the plus strand (G>A on the coding strand, the complement: CCDC78 is on the minus strand). VCF-style: chr16-724447-C-T. GRCh37 (hg19) VCF-style: chr16-774447-C-T.
Other names: c.828G>A, p.Ala276= (NM_001031737.3, NM_001378031.1); c.261G>A, p.Ala87= (NM_001378033.1).
Identifiers: ClinVar variation 1646743 (VCV001646743.10), dbSNP rs746959349, ClinGen allele CA7789386.

ClinVar aggregate classification (germline): Likely benign. Review status: criteria provided, multiple submitters, no conflicts (2 of 4 stars). 2 submissions from 2 submitters: Likely benign (2). Last evaluated 2026-05-01.

Conditions:
Congenital myopathy with internal nuclei and atypical cores. Also called: Myopathy, centronuclear, 4. Identifiers: Orphanet 319160, MedGen C4707232, MONDO:0013890, OMIM 614807.

Allele frequency attached by ClinVar (database versions not stated): ExAC 0.00001; gnomAD exomes 0.00001.
gnomAD v4.1: 19 of 1,604,952 alleles (0.0012%); highest among the groups gnomAD compares: Non-Finnish European, 0.0015%; no homozygotes.

Submissions (2):

CeGaT Center for Human Genetics Tuebingen
Classification: Likely benign. Last evaluated: 2026-05-01. Review status: criteria provided, single submitter. Criteria: CeGaT Center For Human Genetics Tuebingen Variant Classification Criteria Version 2. Collection method: clinical testing. Allele origin: germline. Affected: yes. Observed: 1 variant allele.
Comment: CCDC78: BP4, BP7

Labcorp Genetics (formerly Invitae), Labcorp
Classification: Likely benign for Congenital myopathy with internal nuclei and atypical cores. Last evaluated: 2025-09-07. Review status: criteria provided, single submitter. Criteria: Invitae Variant Classification Sherloc (09022015). Collection method: clinical testing. Allele origin: germline.